The following is an entry in ClinVar:

NM_000141.5(FGFR2):c.201C>T (p.Ala67=)

Gene: FGFR2 (fibroblast growth factor receptor 2; minus strand). Cytogenetic location: 10q26.13.
Variant type: single nucleotide variant.
Coding change: c.201C>T on transcript NM_000141.5 (MANE Select); coding-DNA position 201, C replaced by T.
Protein change: p.Ala67=; no amino-acid change (alanine 67 retained).
Molecular consequence: synonymous variant. On other transcripts: intron variant (9).
Genome position (GRCh38, 1-based): chr10:121,565,613, G>A on the plus strand (C>T on the coding strand, the complement: FGFR2 is on the minus strand). VCF-style: chr10-121565613-G-A. GRCh37 (hg19) VCF-style: chr10-123325127-G-A.
Other names: c.201C>T, p.Ala67= (NM_001144913.1, NM_001144914.1, NM_001144917.2 and 3 more transcripts); c.110-14154C>T (NM_001144918.2, NM_001441091.1, NM_001441090.1 and 1 more transcripts); c.110-1034C>T (NM_001441089.1, NM_023029.3, NM_001441088.1 and 2 more transcripts).
Identifiers: ClinVar variation 877763 (VCV000877763.14), dbSNP rs200386134, ClinGen allele CA5721200.
Genomic context (GRCh38, chr10:121,565,613, plus strand): 5'-AAGCACTGTCCTATTGTTGGGCCCCAAGTGCACCCCATCCTTAGTCCAACTGATCACGGC[G>A]GCATCTTTCAACAGGCAGCGCACCTCTAGCGACTCCCCTGGCGCAGCCACGTACACTTCT-3'
Protein context (NP_000132.3, residues 57-77): SLEVRCLLKD[Ala67=]AVISWTKDGV

ClinVar aggregate classification (germline): Conflicting classifications of pathogenicity. Review status: criteria provided, conflicting classifications (1 of 4 stars). 7 submissions from 3 submitters: Uncertain significance (2); Likely benign (4). 1 of the submissions does not count toward it. Last evaluated 2025-11-18.

Conditions:
FGFR2-related disorder. Identifiers: MedGen CN380096.
FGFR2-related craniosynostosis. Identifiers: MedGen CN231480.
Saethre-Chotzen syndrome (SCS). Also called: ACROCEPHALY, SKULL ASYMMETRY, AND MILD SYNDACTYLY; ACS III; CHOTZEN SYNDROME. Identifiers: Orphanet 794, MedGen C0175699, MONDO:0007042, OMIM 101400.
Isolated Coronal Synostosis. Identifiers: MedGen CN043619.
Crouzon syndrome. Also called: Craniofacial dysostosis type 1; Crouzon craniofacial dysostosis; Crouzon disease; Craniofacial dysostosis; CRANIOFACIAL DYSOSTOSIS, TYPE I. Identifiers: Orphanet 207, MedGen C0010273, MeSH D003394, MONDO:0007405, OMIM 123500, HP:0004439.
Beare-Stevenson cutis gyrata syndrome (BSTVS). Identifiers: Orphanet 1555, MedGen C1852406, MONDO:0007412, OMIM 123790.
Craniosynostosis syndrome. Also called: Craniosynostosis. Identifiers: Orphanet 1531, MedGen C0010278, MeSH D003398, MONDO:0015469, HP:0001363.

Allele frequency attached by ClinVar (database versions not stated): TOPMed 0.00003; ExAC 0.00006; gnomAD exomes 0.00006 and 0.00011; ESP Exome Variant Server 0.00008.
gnomAD v4.1: 161 of 1,614,046 alleles (0.01%); highest among the groups gnomAD compares: Non-Finnish European, 0.013%; no homozygotes.

Submissions (7):

Labcorp Genetics (formerly Invitae), Labcorp
Classification: Likely benign for FGFR2-related craniosynostosis. Last evaluated: 2025-11-18. Review status: criteria provided, single submitter. Criteria: Invitae Variant Classification Sherloc (09022015). Collection method: clinical testing. Allele origin: germline.

Illumina Laboratory Services, Illumina
Classification: Uncertain significance for Saethre-Chotzen syndrome. Last evaluated: 2018-01-12. Review status: criteria provided, single submitter. Criteria: ICSL Variant Classification Criteria 13 December 2019. Collection method: clinical testing. Allele origin: germline.

Illumina Laboratory Services, Illumina
Classification: Likely benign for Craniosynostosis. Last evaluated: 2018-01-12. Review status: criteria provided, single submitter. Criteria: ICSL Variant Classification Criteria 13 December 2019. Collection method: clinical testing. Allele origin: germline.
Comment: This variant was observed in the ICSL laboratory as part of a predisposition screen in an ostensibly healthy population. It had not been previously curated by ICSL or reported in the Human Gene Mutation Database (HGMD: prior to June 1st, 2018), and was therefore a candidate for classification through an automated scoring system. Utilizing variant allele frequency, disease prevalence and penetrance estimates, and inheritance mode, an automated score was calculated to assess if this variant is too frequent to cause the disease. Based on the score and internal cut-off values, a variant classified as likely benign is not then subjected to further curation. The score for this variant resulted in a classification of likely benign for this disease.

Illumina Laboratory Services, Illumina
Classification: Uncertain significance for Isolated coronal synostosis. Last evaluated: 2018-01-12. Review status: criteria provided, single submitter. Criteria: ICSL Variant Classification Criteria 13 December 2019. Collection method: clinical testing. Allele origin: germline.

Illumina Laboratory Services, Illumina
Classification: Likely benign for Crouzon syndrome. Last evaluated: 2018-01-12. Review status: criteria provided, single submitter. Criteria: ICSL Variant Classification Criteria 13 December 2019. Collection method: clinical testing. Allele origin: germline.
Comment: the same text as in the submission from Illumina Laboratory Services, Illumina above.

Illumina Laboratory Services, Illumina
Classification: Likely benign for Beare-Stevenson cutis gyrata syndrome. Last evaluated: 2018-01-12. Review status: criteria provided, single submitter. Criteria: ICSL Variant Classification Criteria 13 December 2019. Collection method: clinical testing. Allele origin: germline.
Comment: the same text as in the submission from Illumina Laboratory Services, Illumina above.

PreventionGenetics, part of Exact Sciences
Classification: Likely benign for FGFR2-related condition. Last evaluated: 2020-11-18. Review status: no assertion criteria provided. Collection method: clinical testing. Allele origin: germline. Not counted in ClinVar's aggregate classification.
Comment: This variant is classified as likely benign based on ACMG/AMP sequence variant interpretation guidelines (Richards et al. 2015 PMID: 25741868, with internal and published modifications).